The following is an entry in ClinVar:

ClinVar aggregate classification (germline): Uncertain significance. Review status: criteria provided, multiple submitters, no conflicts (2 of 4 stars). 2 submissions from 2 submitters: Uncertain significance (2). Last evaluated 2025-12-02.

Conditions:
Hearing loss, autosomal dominant 77. Also called: DEAFNESS, AUTOSOMAL DOMINANT 77. Identifiers: MedGen C5394499, MONDO:0030058, OMIM 618915.

Allele frequency attached by ClinVar (database versions not stated): gnomAD exomes 0.00006; ExAC 0.00002; gnomAD 0.00004; TOPMed 0.00004.
gnomAD v4.1: 89 of 1,613,476 alleles (0.0055%); highest among the groups gnomAD compares: East Asian, 0.056%; no homozygotes.

Submissions (2):

Ambry Genetics
Classification: Uncertain significance. Last evaluated: 2025-12-02. Review status: criteria provided, single submitter. Criteria: Ambry Variant Classification Scheme 2023. Collection method: clinical testing. Allele origin: germline.

Juno Genomics, Hangzhou Juno Genomics, Inc
Classification: Uncertain significance for Hearing loss, autosomal dominant 77. Review status: criteria provided, single submitter. Criteria: ACMG Guidelines, 2015. Collection method: clinical testing. Allele origin: germline.
Comment: Absent from controls (or at extremely low frequency if recessive) in Genome Aggregation Database.;Multiple lines of computational evidence support a deleterious effect on the gene or gene product.

NM_004996.4(ABCC1):c.3056A>G (p.Tyr1019Cys)

Gene: ABCC1 (ATP binding cassette subfamily C member 1 (ABCC1 blood group); plus strand). Cytogenetic location: 16p13.11.
Variant type: single nucleotide variant.
Coding change: c.3056A>G on transcript NM_004996.4 (MANE Select); coding-DNA position 3056, A replaced by G.
Protein change: p.Tyr1019Cys; replaces tyrosine 1019 with cysteine.
Molecular consequence: missense variant.
Genome position (GRCh38, 1-based): chr16:16,111,559, A>G. VCF-style: chr16-16111559-A-G. GRCh37 (hg19) VCF-style: chr16-16205416-A-G.
Other names: c.2879A>G, p.Tyr960Cys (NM_019862.3); short protein forms Y960C, Y1019C.
Identifiers: ClinVar variation 2525724 (VCV002525724.5), dbSNP rs777639281, ClinGen allele CA7924524.
Genomic context (GRCh38, chr16:16,111,559, plus strand): 5'-GGACTGATGACCCCATCGTCAACGGGACTCAGGAGCACACGAAAGTCCGGCTGAGCGTCT[A>G]TGGAGCCCTGGGCATTTCACAAGGTTGGTGCCGCTGTCTCCCACCCCGCCTGATTTGGGC-3'
Protein context (NP_004987.2, residues 1009-1029): QEHTKVRLSV[Tyr1019Cys]GALGISQGIA